The following is an entry in ClinVar:

ClinVar aggregate classification (germline): Likely benign (0 of 4 stars; one submission).

Conditions:
ITSN1-related disorder. Also called: ITSN1-related condition.

Allele frequency attached by ClinVar (database versions not stated): ExAC 0.00005; gnomAD 0.00005; TOPMed 0.00005; 1000 Genomes Project 0.00040; 1000 Genomes Project 30x 0.00047.
gnomAD v4.1: 70 of 1,614,118 alleles (0.0043%); highest among the groups gnomAD compares: South Asian, 0.011%; no homozygotes.

Submission:

PreventionGenetics, part of Exact Sciences
Classification: Likely benign for ITSN1-related condition. Last evaluated: 2022-12-16. Review status: no assertion criteria provided. Collection method: clinical testing. Allele origin: germline.
Comment: This variant is classified as likely benign based on ACMG/AMP sequence variant interpretation guidelines (Richards et al. 2015 PMID: 25741868, with internal and published modifications).

NM_003024.3(ITSN1):c.4317C>T (p.His1439=)

Gene: ITSN1 (intersectin 1; plus strand). Cytogenetic location: 21q22.11.
Variant type: single nucleotide variant.
Coding change: c.4317C>T on transcript NM_003024.3 (MANE Select); coding-DNA position 4317, C replaced by T.
Protein change: p.His1439=; no amino-acid change (histidine 1439 retained).
Molecular consequence: synonymous variant.
Genome position (GRCh38, 1-based): chr21:33,875,497, C>T. VCF-style: chr21-33875497-C-T. GRCh37 (hg19) VCF-style: chr21-35247801-C-T.
Other names: c.4302C>T, p.His1434= (NM_001331010.2).
Identifiers: ClinVar variation 3061541 (VCV003061541.2), dbSNP rs192997882, ClinGen allele CA10012393.
Genomic context (GRCh38, chr21:33,875,497, plus strand): 5'-GGTGAACGAAGGGGTGCGGGAGAAGGAGAACTCTGACCGGCTGGAGTGGATCCAGGCCCA[C>T]GTGCAGTGTGAAGGCCTGTCTGAGGTAGCCAACCTTGGGGCTGGGCCCTGGTCTCCCCCG-3'
Protein context (NP_003015.2, residues 1429-1449): NSDRLEWIQA[His1439=]VQCEGLSEQL